The following is an entry in ClinVar:

NM_001174147.2(LMX1B):c.758C>A (p.Ala253Glu)

Gene: LMX1B (LIM homeobox transcription factor 1 beta; plus strand). Cytogenetic location: 9q33.3.
Variant type: single nucleotide variant.
Coding change: c.758C>A on transcript NM_001174147.2 (MANE Select); coding-DNA position 758, C replaced by A.
Protein change: p.Ala253Glu; replaces alanine 253 with glutamic acid.
Molecular consequence: missense variant.
Genome position (GRCh38, 1-based): chr9:126,693,540, C>A. VCF-style: chr9-126693540-C-A. GRCh37 (hg19) VCF-style: chr9-129455819-C-A.
Other names: c.758C>A, p.Ala253Glu (NM_001174146.2, NM_002316.4); short protein forms A253E.
Identifiers: ClinVar variation 5019769 (VCV005019769.2).

ClinVar aggregate classification (germline): Uncertain significance (1 of 4 stars; one submission).

Conditions:
Nail-patella syndrome (NPS). Also called: ONYCHOOSTEODYSPLASIA; TURNER-KIESER SYNDROME; FONG DISEASE. Identifiers: Orphanet 2614, MedGen C0027341, MONDO:0008061, OMIM 161200.
Nail-patella-like renal disease. Also called: Focal Segmental Glomerulosclerosis 10; GLOMERULAR BASEMENT MEMBRANE DISEASE, NAIL-PATELLA SYNDROME TYPE. Identifiers: Orphanet 2613, MedGen C0403548, MONDO:0009724, OMIM 256020.

Submission:

Juno Genomics, Hangzhou Juno Genomics, Inc
Classification: Uncertain significance for Nail-patella-like renal disease; Nail-patella syndrome. Review status: criteria provided, single submitter. Criteria: ACMG Guidelines, 2015. Collection method: clinical testing. Allele origin: germline.
Comment: Absent from controls (or at extremely low frequency if recessive) in Genome Aggregation Database.;Multiple lines of computational evidence support a deleterious effect on the gene or gene product.